The following is an entry in ClinVar:

NM_001029883.3(PCARE):c.1385G>A (p.Gly462Glu)

Gene: PCARE (photoreceptor cilium actin regulator; minus strand). Cytogenetic location: 2p23.2.
Variant type: single nucleotide variant.
Coding change: c.1385G>A on transcript NM_001029883.3 (MANE Select); coding-DNA position 1385, G replaced by A.
Protein change: p.Gly462Glu; replaces glycine 462 with glutamic acid.
Molecular consequence: missense variant.
Genome position (GRCh38, 1-based): chr2:29,072,877, C>T on the plus strand (G>A on the coding strand, the complement: PCARE is on the minus strand). VCF-style: chr2-29072877-C-T. GRCh37 (hg19) VCF-style: chr2-29295743-C-T.
Other names: short protein forms G462E.
Identifiers: ClinVar variation 1041197 (VCV001041197.8), dbSNP rs372820770, ClinGen allele CA1592435.

ClinVar aggregate classification (germline): Uncertain significance. Review status: criteria provided, multiple submitters, no conflicts (2 of 4 stars). 2 submissions from 2 submitters: Uncertain significance (2). Last evaluated 2022-09-27.

Allele frequency attached by ClinVar (database versions not stated): gnomAD 0.00003 and 0.00004; gnomAD exomes 0.00003 and 0.00004; ExAC 0.00004; TOPMed 0.00005; ESP Exome Variant Server 0.00008; 1000 Genomes Project 30x 0.00016; 1000 Genomes Project 0.00020.
gnomAD v4.1: 59 of 1,614,152 alleles (0.0037%); highest among the groups gnomAD compares: Non-Finnish European, 0.0047%; no homozygotes.

Submissions (2):

Labcorp Genetics (formerly Invitae), Labcorp
Classification: Uncertain significance. Last evaluated: 2022-09-27. Review status: criteria provided, single submitter. Criteria: Invitae Variant Classification Sherloc (09022015). Collection method: clinical testing. Allele origin: germline.
Comment: In summary, the available evidence is currently insufficient to determine the role of this variant in disease. Therefore, it has been classified as a Variant of Uncertain Significance. Algorithms developed to predict the effect of missense changes on protein structure and function output the following: SIFT: "Tolerated"; PolyPhen-2: "Benign"; Align-GVGD: "Class C0". The glutamic acid amino acid residue is found in multiple mammalian species, which suggests that this missense change does not adversely affect protein function. ClinVar contains an entry for this variant (Variation ID: 1041197). This variant has not been reported in the literature in individuals affected with PCARE-related conditions. This variant is present in population databases (rs372820770, gnomAD 0.007%). This sequence change replaces glycine, which is neutral and non-polar, with glutamic acid, which is acidic and polar, at codon 462 of the PCARE protein (p.Gly462Glu).

Blueprint Genetics
Classification: Uncertain significance. Last evaluated: 2022-04-25. Review status: criteria provided, single submitter. Criteria: ACMG Guidelines, 2015. Collection method: clinical testing. Allele origin: germline.